The following is an entry in ClinVar:

ClinVar aggregate classification (germline): Uncertain significance (1 of 4 stars; one submission).

Allele frequency attached by ClinVar (database versions not stated): gnomAD 0.00001; gnomAD exomes 0.00001; TOPMed 0.00001; ExAC 0.00002.
gnomAD v4.1: 17 of 1,614,034 alleles (0.0011%); highest among the groups gnomAD compares: Non-Finnish European, 0.0014%; no homozygotes.

Submission:

Labcorp Genetics (formerly Invitae), Labcorp
Classification: Uncertain significance. Last evaluated: 2022-03-04. Review status: criteria provided, single submitter. Criteria: Invitae Variant Classification Sherloc (09022015). Collection method: clinical testing. Allele origin: germline.
Comment: This sequence change replaces serine, which is neutral and polar, with phenylalanine, which is neutral and non-polar, at codon 383 of the DMP1 protein (p.Ser383Phe). This variant is present in population databases (rs752003985, gnomAD 0.002%). In summary, the available evidence is currently insufficient to determine the role of this variant in disease. Therefore, it has been classified as a Variant of Uncertain Significance. Algorithms developed to predict the effect of missense changes on protein structure and function (SIFT, PolyPhen-2, Align-GVGD) all suggest that this variant is likely to be disruptive. This variant has not been reported in the literature in individuals affected with DMP1-related conditions.

NM_004407.4(DMP1):c.1148C>T (p.Ser383Phe)

Genes: DMP1 (dentin matrix acidic phosphoprotein 1; plus strand), DMP1-AS1 (DMP1 and DSPP antisense RNA 1; minus strand). Cytogenetic location: 4q22.1.
Variant type: single nucleotide variant.
Coding change: c.1148C>T on transcript NM_004407.4 (MANE Select); coding-DNA position 1148, C replaced by T.
Protein change: p.Ser383Phe; replaces serine 383 with phenylalanine.
Molecular consequence: missense variant.
Genome position (GRCh38, 1-based): chr4:87,662,926, C>T. VCF-style: chr4-87662926-C-T. GRCh37 (hg19) VCF-style: chr4-88584078-C-T.
Other names: c.1100C>T, p.Ser367Phe (NM_001079911.3); short protein forms S383F, S367F.
Identifiers: ClinVar variation 1916547 (VCV001916547.3), dbSNP rs752003985, ClinGen allele CA3002145.